The following is an entry in ClinVar:

ClinVar aggregate classification (germline): Uncertain significance (1 of 4 stars; one submission).

Submission:

Labcorp Genetics (formerly Invitae), Labcorp
Classification: Uncertain significance. Last evaluated: 2025-07-15. Review status: criteria provided, single submitter. Criteria: Invitae Variant Classification Sherloc (09022015). Collection method: clinical testing. Allele origin: germline.
Comment: This sequence change replaces leucine, which is neutral and non-polar, with arginine, which is basic and polar, at codon 334 of the EPHB4 protein (p.Leu334Arg). This variant is not present in population databases (gnomAD no frequency). This variant has not been reported in the literature in individuals affected with EPHB4-related conditions. Invitae Evidence Modeling of protein sequence and biophysical properties (such as structural, functional, and spatial information, amino acid conservation, physicochemical variation, residue mobility, and thermodynamic stability) indicates that this missense variant is not expected to disrupt EPHB4 protein function with a negative predictive value of 95%. In summary, the available evidence is currently insufficient to determine the role of this variant in disease. Therefore, it has been classified as a Variant of Uncertain Significance.

NM_004444.5(EPHB4):c.1001T>G (p.Leu334Arg)

Gene: EPHB4 (EPH receptor B4; minus strand). Cytogenetic location: 7q22.1.
Variant type: single nucleotide variant.
Coding change: c.1001T>G on transcript NM_004444.5 (MANE Select); coding-DNA position 1001, T replaced by G.
Protein change: p.Leu334Arg; replaces leucine 334 with arginine.
Molecular consequence: missense variant.
Genome position (GRCh38, 1-based): chr7:100,819,853, A>C on the plus strand (T>G on the coding strand, the complement: EPHB4 is on the minus strand). VCF-style: chr7-100819853-A-C. GRCh37 (hg19) VCF-style: chr7-100417475-A-C.
Other names: short protein forms L334R.
Identifiers: ClinVar variation 4778339 (VCV004778339.1).